The following is an entry in ClinVar:

NM_001243279.3(ACSF3):c.755A>T (p.Asn252Ile)

Gene: ACSF3 (acyl-CoA synthetase family member 3; plus strand). Cytogenetic location: 16q24.3.
Variant type: single nucleotide variant.
Coding change: c.755A>T on transcript NM_001243279.3 (MANE Select); coding-DNA position 755, A replaced by T.
Protein change: p.Asn252Ile; replaces asparagine 252 with isoleucine.
Molecular consequence: missense variant. On other transcripts: 5 prime UTR variant (1), non-coding transcript variant (3).
Genome position (GRCh38, 1-based): chr16:89,102,692, A>T. VCF-style: chr16-89102692-A-T. GRCh37 (hg19) VCF-style: chr16-89169100-A-T.
Other names: c.755A>T, p.Asn252Ile (NM_001127214.4, NM_174917.5); c.-41A>T (NM_001284316.2); short protein forms N252I.
Identifiers: ClinVar variation 2154120 (VCV002154120.1), dbSNP rs373246881, ClinGen allele CA397137912.

ClinVar aggregate classification (germline): Uncertain significance (1 of 4 stars; one submission).

Conditions:
Combined malonic and methylmalonic acidemia. Identifiers: Orphanet 289504, MedGen C3280314, MONDO:0013661, OMIM 614265.

gnomAD v4.1: 1 of 1,612,818 alleles (0.000062%); highest among the groups gnomAD compares: Admixed American, 0.0017%; no homozygotes.

Submission:

Labcorp Genetics (formerly Invitae), Labcorp
Classification: Uncertain significance for Combined malonic and methylmalonic acidemia. Last evaluated: 2022-06-26. Review status: criteria provided, single submitter. Criteria: Invitae Variant Classification Sherloc (09022015). Collection method: clinical testing. Allele origin: germline.
Comment: This sequence change replaces asparagine, which is neutral and polar, with isoleucine, which is neutral and non-polar, at codon 252 of the ACSF3 protein (p.Asn252Ile). This variant is present in population databases (no rsID available, gnomAD 0.1%). This variant has not been reported in the literature in individuals affected with ACSF3-related conditions. Algorithms developed to predict the effect of missense changes on protein structure and function are either unavailable or do not agree on the potential impact of this missense change (SIFT: "Deleterious"; PolyPhen-2: "Probably Damaging"; Align-GVGD: "Class C0"). In summary, the available evidence is currently insufficient to determine the role of this variant in disease. Therefore, it has been classified as a Variant of Uncertain Significance.